The following is an entry in ClinVar:

ClinVar aggregate classification (germline): Likely benign (1 of 4 stars; one submission).

Allele frequency attached by ClinVar (database versions not stated): gnomAD exomes below 0.00001.
gnomAD v4.1: 1 of 1,614,166 alleles (0.000062%); highest among the groups gnomAD compares: Non-Finnish European, 0.000085%; no homozygotes.

Submission:

CeGaT Center for Human Genetics Tuebingen
Classification: Likely benign. Last evaluated: 2024-02-01. Review status: criteria provided, single submitter. Criteria: CeGaT Center For Human Genetics Tuebingen Variant Classification Criteria Version 2. Collection method: clinical testing. Allele origin: germline. Affected: yes. Observed: 1 variant allele.
Comment: STX1A: PM2:Supporting, BP4, BP7

NM_004603.4(STX1A):c.168G>A (p.Arg56=)

Gene: STX1A (syntaxin 1A; minus strand). Cytogenetic location: 7q11.23.
Variant type: single nucleotide variant.
Coding change: c.168G>A on transcript NM_004603.4 (MANE Select); coding-DNA position 168, G replaced by A.
Protein change: p.Arg56=; no amino-acid change (arginine 56 retained).
Molecular consequence: synonymous variant.
Genome position (GRCh38, 1-based): chr7:73,708,629, C>T on the plus strand (G>A on the coding strand, the complement: STX1A is on the minus strand). VCF-style: chr7-73708629-C-T. GRCh37 (hg19) VCF-style: chr7-73122959-C-T.
Other names: c.168G>A, p.Arg56= (NM_001165903.2).
Identifiers: ClinVar variation 3067602 (VCV003067602.21), dbSNP rs2484592638, ClinGen allele CA455874284.